The following is an entry in ClinVar:

ClinVar aggregate classification (germline): Uncertain significance (1 of 4 stars; one submission).

Conditions:
Autosomal dominant childhood-onset proximal spinal muscular atrophy with contractures (SMALED2A). Also called: Spinal muscular atrophy, lower extremity-predominant, 2A, autosomal dominant; SPINAL MUSCULAR ATROPHY, LOWER EXTREMITY-PREDOMINANT, 2A, CHILDHOOD ONSET, AUTOSOMAL DOMINANT. Identifiers: Orphanet 363447, Orphanet 363454, MedGen C4747715, MONDO:0014121, OMIM 615290.

Allele frequency attached by ClinVar (database versions not stated): gnomAD 0.00001; TOPMed 0.00002.
gnomAD v4.1: 5 of 1,613,908 alleles (0.00031%); highest among the groups gnomAD compares: African/African-American, 0.0013%; no homozygotes.

Submission:

Labcorp Genetics (formerly Invitae), Labcorp
Classification: Uncertain significance for Autosomal dominant childhood-onset proximal spinal muscular atrophy with contractures. Last evaluated: 2025-11-12. Review status: criteria provided, single submitter. Criteria: Invitae Variant Classification Sherloc (09022015). Collection method: clinical testing. Allele origin: germline.
Comment: This sequence change replaces histidine, which is basic and polar, with glutamine, which is neutral and polar, at codon 419 of the BICD2 protein (p.His419Gln). This variant is not present in population databases (gnomAD no frequency). This variant has not been reported in the literature in individuals affected with BICD2-related conditions. ClinVar contains an entry for this variant (Variation ID: 657594). Invitae Evidence Modeling of protein sequence and biophysical properties (such as structural, functional, and spatial information, amino acid conservation, physicochemical variation, residue mobility, and thermodynamic stability) indicates that this missense variant is not expected to disrupt BICD2 protein function with a negative predictive value of 80%. In summary, the available evidence is currently insufficient to determine the role of this variant in disease. Therefore, it has been classified as a Variant of Uncertain Significance.

NM_001003800.2(BICD2):c.1257T>G (p.His419Gln)

Gene: BICD2 (BICD cargo adaptor 2; minus strand). Cytogenetic location: 9q22.31.
Variant type: single nucleotide variant.
Coding change: c.1257T>G on transcript NM_001003800.2 (MANE Select); coding-DNA position 1257, T replaced by G.
Protein change: p.His419Gln; replaces histidine 419 with glutamine.
Molecular consequence: missense variant.
Genome position (GRCh38, 1-based): chr9:92,719,388, A>C on the plus strand (T>G on the coding strand, the complement: BICD2 is on the minus strand). VCF-style: chr9-92719388-A-C. GRCh37 (hg19) VCF-style: chr9-95481670-A-C.
Other names: c.1257T>G, p.His419Gln (NM_015250.4); short protein forms H419Q.
Identifiers: ClinVar variation 657594 (VCV000657594.9), dbSNP rs774663157, ClinGen allele CA196340968.
Genomic context (GRCh38, chr9:92,719,388, plus strand): 5'-GTACTTGCAGGCCAAGATCTCAGGCCCGTTGATGTCCACCTCGTAGTAGTCCCCATCCTC[A>C]TGGCTGTCACGGTCCTTCTCGTTGTCCAGGGCTGTCTGCCGCTCCTTGCTGGCCTGCAGG-3'
Protein context (NP_001003800.1, residues 409-429): ALDNEKDRDS[His419Gln]EDGDYYEVDI